The following is an entry in ClinVar:

NM_015629.4(PRPF31):c.244G>T (p.Gly82Ter)

Genes: PRPF31 (pre-mRNA processing factor 31; plus strand), PRPF31-AS1 (PRPF31 antisense RNA 1; minus strand). Cytogenetic location: 19q13.42.
Variant type: single nucleotide variant.
Coding change: c.244G>T on transcript NM_015629.4 (MANE Select); coding-DNA position 244, G replaced by T.
Protein change: p.Gly82Ter; replaces glycine 82 with a stop codon.
Molecular consequence: nonsense.
Genome position (GRCh38, 1-based): chr19:54,121,865, G>T. VCF-style: chr19-54121865-G-T. GRCh37 (hg19) VCF-style: chr19-54625244-G-T.
Other names: short protein forms G82*.
Identifiers: ClinVar variation 1459115 (VCV001459115.6), dbSNP rs2146409388, ClinGen allele CA407749067.
Genomic context (GRCh38, chr19:54,121,865, plus strand): 5'-CCCGAGAGGGGGTAGGGATTTAGATACTCACACCCATGCCTCCGTGTCCTCACAGTGATG[G>T]GACCAGTGGAGGCCGCGCCTGAATACCGCGTCATCGTGGATGCCAACAACCTGACCGTGG-3'

ClinVar aggregate classification (germline): Pathogenic (1 of 4 stars; one submission).

Submission:

Labcorp Genetics (formerly Invitae), Labcorp
Classification: Pathogenic. Last evaluated: 2022-10-05. Review status: criteria provided, single submitter. Criteria: Invitae Variant Classification Sherloc (09022015). Collection method: clinical testing. Allele origin: germline.
Comment: This sequence change creates a premature translational stop signal (p.Gly82*) in the PRPF31 gene. It is expected to result in an absent or disrupted protein product. Loss-of-function variants in PRPF31 are known to be pathogenic (PMID: 18317597, 23950152). For these reasons, this variant has been classified as Pathogenic. Algorithms developed to predict the effect of sequence changes on RNA splicing suggest that this variant may create or strengthen a splice site. ClinVar contains an entry for this variant (Variation ID: 1459115). This variant has not been reported in the literature in individuals affected with PRPF31-related conditions. This variant is not present in population databases (gnomAD no frequency).

Literature cited by the submitters: PubMed 18317597; PubMed 23950152.